The following is an entry in ClinVar:

ClinVar aggregate classification (germline): Pathogenic (1 of 4 stars; one submission).

Conditions:
Retinal disorder. Also called: Retinal disorders; Retinopathies; Retinal Diseases; Retinopathy. Identifiers: MedGen C0035309, MONDO:0005283, HP:0000488.

Submission:

North West Genomic Laboratory Hub, Manchester University NHS Foundation Trust
Classification: Pathogenic for Retinal disorders. Last evaluated: 2024-09-04. Review status: criteria provided, single submitter. Criteria: ACGS Best Practice Guidelines for Variant Classification in Rare Disease 2020. Collection method: clinical testing. Allele origin: germline. Affected: yes.
Comment: PVS1_VStr PM2_Mod

NM_001127898.4(CLCN5):c.519dup (p.Asn174fs)

Gene: CLCN5 (Cl-/H+ antiporter 5; plus strand). Cytogenetic location: Xp11.23.
Variant type: Duplication.
Coding change: c.519dup on transcript NM_001127898.4 (MANE Select); coding-DNA position 519, one base duplicated (G; older notation c.519dupG).
Protein change: p.Asn174fs; shifts the reading frame from asparagine 174.
Molecular consequence: frameshift variant. On other transcripts: non-coding transcript variant (1).
Genome position (GRCh38, 1-based): chrX:50,075,898, G duplicated; the last of 2 consecutive G bases (chrX:50,075,897-50,075,898); duplicating either gives the same sequence. VCF-style (leftmost placement, unchanged base first): chrX-50075896-T-TG. GRCh37 (hg19) VCF-style: chrX-49840551-T-TG.
Other names: c.309dup, p.Asn104fs (NM_000084.5); c.519dup, p.Asn174fs (NM_001127899.4); c.369dup, p.Asn124fs (NM_001282163.2); c.531dup, p.Asn178fs (NM_001440756.1, NM_001440757.1); short protein forms N104fs, N124fs, N174fs, N178fs.
Identifiers: ClinVar variation 5038427 (VCV005038427.1).
Genomic context (GRCh38, chrX:50,075,896, plus strand): 5'-ACAGACTTAAAAGAAGGTATATGCACAGGGGGATTCTGGTTTAACCATGAACATTGTTGC[T>TG]GGAACTCTGAGCATGTCACCTTTGAAGAGAGAGACAAATGTCCAGAGTGGAATAGTTGGT-3'